The following is an entry in ClinVar:

NM_000278.5(PAX2):c.227dup (p.Ser77fs)

Gene: PAX2 (paired box 2; plus strand). Cytogenetic location: 10q24.31.
Variant type: Duplication.
Coding change: c.227dup on transcript NM_000278.5 (MANE Select); coding-DNA position 227, one base duplicated (G; older notation c.227dupG).
Protein change: p.Ser77fs; shifts the reading frame from serine 77.
Molecular consequence: frameshift variant.
Genome position (GRCh38, 1-based): chr10:100,750,708, G duplicated; the last of 2 consecutive G bases (chr10:100,750,707-100,750,708); duplicating either gives the same sequence. VCF-style (leftmost placement, unchanged base first): chr10-100750706-C-CG. GRCh37 (hg19) VCF-style: chr10-102510463-C-CG.
Other names: c.320dup, p.Ser108fs (NM_001304569.2); c.227dup, p.Ser77fs (NM_003987.5, NM_003988.5, NM_003989.5 and 1 more transcripts); short protein forms S108fs, S77fs.
Identifiers: ClinVar variation 2022166 (VCV002022166.4), dbSNP rs2492898916, ClinGen allele CA2580081094.
Genomic context (GRCh38, chr10:100,750,706, plus strand): 5'-CCCGCCACAGTCCGCTTCTGGCTGACCCCGCCGGCTTTCCCGGCGCAGGTACTACGAGAC[C>CG]GGCAGCATCAAGCCGGGTGTGATCGGTGGCTCCAAGCCCAAAGTGGCGACGCCCAAAGTG-3'

ClinVar aggregate classification (germline): Pathogenic (1 of 4 stars; one submission).

Conditions:
Renal coloboma syndrome (PAPRS). Also called: OPTIC COLOBOMA, VESICOURETERAL REFLUX, AND RENAL ANOMALIES; OPTIC NERVE COLOBOMA WITH RENAL DISEASE; RENAL-COLOBOMA SYNDROME WITH MACULAR ABNORMALITIES; CONGENITAL ANOMALIES OF THE KIDNEY AND URINARY TRACT WITH OR WITHOUT OCULAR ABNORMALITIES; CAKUT WITH OR WITHOUT OCULAR ABNORMALITIES; PAPILLORENAL SYNDROME. Identifiers: Orphanet 1475, MedGen C1852759, MONDO:0007352, OMIM 120330.
Focal segmental glomerulosclerosis 7 (FSGS7). Identifiers: Orphanet 656, MedGen C4014925, MONDO:0014451, OMIM 616002.

Submission:

Labcorp Genetics (formerly Invitae), Labcorp
Classification: Pathogenic for Renal coloboma syndrome; Focal segmental glomerulosclerosis 7. Last evaluated: 2025-10-13. Review status: criteria provided, single submitter. Criteria: Invitae Variant Classification Sherloc (09022015). Collection method: clinical testing. Allele origin: germline.
Comment: This sequence change creates a premature translational stop signal (p.Ser77Glnfs*25) in the PAX2 gene. It is expected to result in an absent or disrupted protein product. Loss-of-function variants in PAX2 are known to be pathogenic (PMID: 11461952, 24676634, 35444690). This variant is not present in population databases (gnomAD no frequency). This variant has not been reported in the literature in individuals affected with PAX2-related conditions. ClinVar contains an entry for this variant (Variation ID: 2022166). For these reasons, this variant has been classified as Pathogenic.

Literature cited by the submitters: PubMed 11461952; PubMed 24676634; PubMed 35444690.